The following is an entry in ClinVar:

NM_003737.4(DCHS1):c.2329G>C (p.Asp777His)

Gene: DCHS1 (dachsous cadherin-related 1; minus strand). Cytogenetic location: 11p15.4.
Variant type: single nucleotide variant.
Coding change: c.2329G>C on transcript NM_003737.4 (MANE Select); coding-DNA position 2329, G replaced by C.
Protein change: p.Asp777His; replaces aspartic acid 777 with histidine.
Molecular consequence: missense variant.
Genome position (GRCh38, 1-based): chr11:6,633,538, C>G on the plus strand (G>C on the coding strand, the complement: DCHS1 is on the minus strand). VCF-style: chr11-6633538-C-G. GRCh37 (hg19) VCF-style: chr11-6654769-C-G.
Other names: c.2329G>C (NM_003737.2); short protein forms D777H.
Identifiers: ClinVar variation 1723582 (VCV001723582.6), dbSNP rs752702880, ClinGen allele CA217299516.
Genomic context (GRCh38, chr11:6,633,538, plus strand): 5'-AAACATACTGTAGTTGCTCAAATATGGGTGGTGTGGGGGTTCCAGGCACAATGCTGATGT[C>G]CACTCGGGCACTGGGTTCTGCCTGTAGGCCACCTCCGTCCTCAGCCCCGATCTCCAGCTG-3'
Protein context (NP_003728.1, residues 767-787): GLQAEPSARV[Asp777His]ISIVPGTPTP

ClinVar aggregate classification (germline): Uncertain significance. Review status: criteria provided, multiple submitters, no conflicts (2 of 4 stars). 3 submissions from 3 submitters: Uncertain significance (3). Last evaluated 2025-06-12.

Conditions:
Inborn genetic diseases. Identifiers: MedGen C0950123, MeSH D030342.

Allele frequency attached by ClinVar (database versions not stated): TOPMed 0.00005; gnomAD 0.00006.
gnomAD v4.1: 11 of 1,587,766 alleles (0.00069%); highest among the groups gnomAD compares: African/African-American, 0.015%; no homozygotes.

Submissions (3):

Labcorp Genetics (formerly Invitae), Labcorp
Classification: Uncertain significance. Last evaluated: 2025-06-12. Review status: criteria provided, single submitter. Criteria: Invitae Variant Classification Sherloc (09022015). Collection method: clinical testing. Allele origin: germline.
Comment: This sequence change replaces aspartic acid, which is acidic and polar, with histidine, which is basic and polar, at codon 777 of the DCHS1 protein (p.Asp777His). The frequency data for this variant in the population databases is considered unreliable, as metrics indicate poor data quality at this position in the gnomAD database. This variant has not been reported in the literature in individuals affected with DCHS1-related conditions. ClinVar contains an entry for this variant (Variation ID: 1723582). Invitae Evidence Modeling of protein sequence and biophysical properties (such as structural, functional, and spatial information, amino acid conservation, physicochemical variation, residue mobility, and thermodynamic stability) indicates that this missense variant is not expected to disrupt DCHS1 protein function with a negative predictive value of 80%. In summary, the available evidence is currently insufficient to determine the role of this variant in disease. Therefore, it has been classified as a Variant of Uncertain Significance.

Ambry Genetics
Classification: Uncertain significance for Inborn genetic diseases. Last evaluated: 2024-10-07. Review status: criteria provided, single submitter. Criteria: Ambry Variant Classification Scheme 2023. Collection method: clinical testing. Allele origin: germline.

GeneDx
Classification: Uncertain significance. Last evaluated: 2022-05-09. Review status: criteria provided, single submitter. Criteria: GeneDx Variant Classification Process June 2021. Collection method: clinical testing. Allele origin: germline. Affected: yes.
Comment: In silico analysis supports that this missense variant does not alter protein structure/function; Has not been previously published as pathogenic or benign to our knowledge